The following is an entry in ClinVar:

ClinVar aggregate classification (germline): Uncertain significance. Review status: criteria provided, multiple submitters, no conflicts (2 of 4 stars). 2 submissions from 2 submitters: Uncertain significance (2). Last evaluated 2023-12-13.

Conditions:
Amyotrophic lateral sclerosis type 1 (ALS1). Also called: AMYOTROPHIC LATERAL SCLEROSIS 1, FAMILIAL. Identifiers: Orphanet 803, MedGen C1862939, MONDO:0007103, OMIM 105400.
Neuronopathy, distal hereditary motor, type 7B. Also called: HMN VIIB; LOWER MOTOR NEURON DISEASE, DYNACTIN TYPE; Distal Hereditary Motor Neuronopathy Type 7B (dHMN7B); NEURONOPATHY, DISTAL HEREDITARY MOTOR, AUTOSOMAL DOMINANT 14; NEURONOPATHY, DISTAL HEREDITARY MOTOR, HARDING TYPE VIIB; NEUROPATHY, DISTAL HEREDITARY MOTOR, HARDING TYPE VIIB. Identifiers: Orphanet 139589, MedGen C1843315, MONDO:0011879, OMIM 607641.
Perry syndrome. Also called: PARKINSONISM WITH ALVEOLAR HYPOVENTILATION AND MENTAL DEPRESSION. Identifiers: Orphanet 178509, MedGen C1868594, MONDO:0008201, OMIM 168605.

Allele frequency attached by ClinVar (database versions not stated): gnomAD exomes below 0.00001.
gnomAD v4.1: 6 of 1,614,286 alleles (0.00037%); highest among the groups gnomAD compares: East Asian, 0.0022%; no homozygotes.

Submissions (2):

GeneDx
Classification: Uncertain significance. Last evaluated: 2023-12-13. Review status: criteria provided, single submitter. Criteria: GeneDx Variant Classification Process June 2021. Collection method: clinical testing. Allele origin: germline. Affected: yes.
Comment: Not observed at significant frequency in large population cohorts (gnomAD); In silico analysis supports that this missense variant has a deleterious effect on protein structure/function; Has not been previously published as pathogenic or benign to our knowledge

Labcorp Genetics (formerly Invitae), Labcorp
Classification: Uncertain significance for Amyotrophic lateral sclerosis type 1; Neuronopathy, distal hereditary motor, type 7B; Perry syndrome. Last evaluated: 2022-08-16. Review status: criteria provided, single submitter. Criteria: Invitae Variant Classification Sherloc (09022015). Collection method: clinical testing. Allele origin: germline.
Comment: In summary, the available evidence is currently insufficient to determine the role of this variant in disease. Therefore, it has been classified as a Variant of Uncertain Significance. Algorithms developed to predict the effect of missense changes on protein structure and function are either unavailable or do not agree on the potential impact of this missense change (SIFT: "Deleterious"; PolyPhen-2: "Benign"; Align-GVGD: "Class C15"). ClinVar contains an entry for this variant (Variation ID: 536159). This variant has not been reported in the literature in individuals affected with DCTN1-related conditions. This variant is present in population databases (no rsID available, gnomAD 0.0009%). This sequence change replaces histidine, which is basic and polar, with glutamine, which is neutral and polar, at codon 584 of the DCTN1 protein (p.His584Gln).

NM_004082.5(DCTN1):c.1752C>A (p.His584Gln)

Gene: DCTN1 (dynactin subunit 1; minus strand). Cytogenetic location: 2p13.1.
Variant type: single nucleotide variant.
Coding change: c.1752C>A on transcript NM_004082.5 (MANE Select); coding-DNA position 1752, C replaced by A.
Protein change: p.His584Gln; replaces histidine 584 with glutamine.
Molecular consequence: missense variant. On other transcripts: non-coding transcript variant (1).
Genome position (GRCh38, 1-based): chr2:74,368,830, G>T on the plus strand (C>A on the coding strand, the complement: DCTN1 is on the minus strand). VCF-style: chr2-74368830-G-T. GRCh37 (hg19) VCF-style: chr2-74595957-G-T.
Other names: c.1692C>A, p.His564Gln (NM_001135040.3); c.1350C>A, p.His450Gln (NM_001135041.3, NM_023019.4); c.1641C>A, p.His547Gln (NM_001190836.2); c.1731C>A, p.His577Gln (NM_001190837.2); c.1701C>A, p.His567Gln (NM_001378991.1); c.1683C>A, p.His561Gln (NM_001378992.1); short protein forms H450Q, H584Q, H547Q, H577Q, H564Q, H561Q, H567Q.
Identifiers: ClinVar variation 536159 (VCV000536159.11), dbSNP rs1345909454, ClinGen allele CA347355811.